The following is an entry in ClinVar:

ClinVar aggregate classification (germline): Likely pathogenic (1 of 4 stars; one submission).

Submission:

Labcorp Genetics (formerly Invitae), Labcorp
Classification: Likely pathogenic. Last evaluated: 2024-06-03. Review status: criteria provided, single submitter. Criteria: Invitae Variant Classification Sherloc (09022015). Collection method: clinical testing. Allele origin: germline.
Comment: This sequence change affects a donor splice site in intron 4 of the ATP2C1 gene. It is expected to disrupt RNA splicing. Variants that disrupt the donor or acceptor splice site typically lead to a loss of protein function (PMID: 16199547), and loss-of-function variants in ATP2C1 are known to be pathogenic (PMID: 10615129, 10767338, 11841554). This variant is not present in population databases (gnomAD no frequency). Disruption of this splice site has been observed in individual(s) with Hailey-Hailey disease (Invitae). Algorithms developed to predict the effect of sequence changes on RNA splicing suggest that this variant may disrupt the consensus splice site. In summary, the currently available evidence indicates that the variant is pathogenic, but additional data are needed to prove that conclusively. Therefore, this variant has been classified as Likely Pathogenic.

Literature cited by the submitters: PubMed 16199547; PubMed 10615129; PubMed 10767338; PubMed 11841554.

NM_001378687.1(ATP2C1):c.324+1G>T

Gene: ATP2C1 (ATPase secretory pathway Ca2+ transporting 1; plus strand). Cytogenetic location: 3q22.1.
Variant type: single nucleotide variant.
Coding change: c.324+1G>T on transcript NM_001378687.1 (MANE Select); the canonical splice donor site of the intron after coding-DNA position 324, G replaced by T.
Molecular consequence: splice donor variant.
Genome position (GRCh38, 1-based): chr3:130,934,712, G>T. VCF-style: chr3-130934712-G-T. GRCh37 (hg19) VCF-style: chr3-130653556-G-T.
Other names: c.426+1G>T (NM_001378511.1, NM_001199180.2, NM_001199181.3); c.309+1G>T (NM_001199182.2); c.324+1G>T (NM_001001486.2, NM_001001487.2, NM_001001485.3 and 5 more transcripts); c.276+1G>T (NM_001378514.1, NM_001199183.2, NM_001199184.3).
Identifiers: ClinVar variation 3654945 (VCV003654945.2).
Genomic context (GRCh38, chr3:130,934,712, plus strand): 5'-GCTTCTGCAGTCATCAGTGTTTTAATGCATCAGTTTGATGATGCCGTCAGTATCACTGTG[G>T]TAAGAAAAAAATTACATATTTTTAATCTGTTGAGTAAGTGTATAAATTGGGATTGGTTTT-3'